The following is an entry in ClinVar:

NM_058179.4(PSAT1):c.845T>C (p.Ile282Thr)

Gene: PSAT1 (phosphoserine aminotransferase 1; plus strand). Cytogenetic location: 9q21.2.
Variant type: single nucleotide variant.
Coding change: c.845T>C on transcript NM_058179.4 (MANE Select); coding-DNA position 845, T replaced by C.
Protein change: p.Ile282Thr; replaces isoleucine 282 with threonine.
Molecular consequence: missense variant.
Genome position (GRCh38, 1-based): chr9:78,317,780, T>C. VCF-style: chr9-78317780-T-C. GRCh37 (hg19) VCF-style: chr9-80932696-T-C.
Other names: c.845T>C, p.Ile282Thr (NM_021154.5); short protein forms I282T.
Identifiers: ClinVar variation 977006 (VCV000977006.7), dbSNP rs774644137, ClinGen allele CA5095739.

ClinVar aggregate classification (germline): Uncertain significance. Review status: criteria provided, single submitter (1 of 4 stars). 2 submissions from 2 submitters: Uncertain significance (1). 1 of the submissions does not count toward it. Last evaluated 2022-07-26.

Conditions:
Neu-Laxova syndrome 2. Identifiers: Orphanet 2671, Orphanet 583602, MedGen C4015019, MONDO:0014466, OMIM 616038.

Allele frequency attached by ClinVar (database versions not stated): ExAC 0.00003; gnomAD exomes 0.00004 and 0.00001; TOPMed 0.00002.
gnomAD v4.1: 19 of 1,613,122 alleles (0.0012%); highest among the groups gnomAD compares: East Asian, 0.02%; no homozygotes.

Submissions (2):

Labcorp Genetics (formerly Invitae), Labcorp
Classification: Uncertain significance for Neu-Laxova syndrome 2. Last evaluated: 2022-07-26. Review status: criteria provided, single submitter. Criteria: Invitae Variant Classification Sherloc (09022015). Collection method: clinical testing. Allele origin: germline.
Comment: This sequence change replaces isoleucine, which is neutral and non-polar, with threonine, which is neutral and polar, at codon 282 of the PSAT1 protein (p.Ile282Thr). This variant is present in population databases (rs774644137, gnomAD 0.05%). This variant has not been reported in the literature in individuals affected with PSAT1-related conditions. ClinVar contains an entry for this variant (Variation ID: 977006). Algorithms developed to predict the effect of missense changes on protein structure and function (SIFT, PolyPhen-2, Align-GVGD) all suggest that this variant is likely to be disruptive. Experimental studies have shown that this missense change affects PSAT1 function (PMID: 32077105). In summary, the available evidence is currently insufficient to determine the role of this variant in disease. Therefore, it has been classified as a Variant of Uncertain Significance.

Dudley Research Group, Pacific Northwest Research Institute
No classification provided. Review status: no classification provided. Collection method: research, in vivo. Allele origin: unknown, not applicable. Functional consequence: loss_of_function_variant. Not counted in ClinVar's aggregate classification.

Literature cited by the submitters: PubMed 32077105 (cited by Labcorp Genetics (formerly Invitae), Labcorp).